The following is an entry in ClinVar:

NM_001365951.3(KIF1B):c.1744A>G (p.Ile582Val)

Gene: KIF1B (kinesin family member 1B; plus strand). Cytogenetic location: 1p36.22.
Variant type: single nucleotide variant.
Coding change: c.1744A>G on transcript NM_001365951.3 (MANE Select); coding-DNA position 1744, A replaced by G.
Protein change: p.Ile582Val; replaces isoleucine 582 with valine.
Molecular consequence: missense variant.
Genome position (GRCh38, 1-based): chr1:10,295,733, A>G. VCF-style: chr1-10295733-A-G. GRCh37 (hg19) VCF-style: chr1-10355791-A-G.
Other names: c.1744A>G, p.Ile582Val (NM_001365952.1); c.1606A>G, p.Ile536Val (NM_001365953.1, NM_015074.3, NM_183416.4); short protein forms I536V, I582V.
Identifiers: ClinVar variation 1776282 (VCV001776282.2), dbSNP rs2521391045, ClinGen allele CA338315088.

ClinVar aggregate classification (germline): Uncertain significance (1 of 4 stars; one submission).

Allele frequency attached by ClinVar (database versions not stated): gnomAD exomes below 0.00001.
gnomAD v4.1: 1 of 1,613,890 alleles (0.000062%); highest among the groups gnomAD compares: African/African-American, 0.0013%; no homozygotes.

Submission:

Ambry Genetics
Classification: Uncertain significance. Last evaluated: 2022-06-03. Review status: criteria provided, single submitter. Criteria: Ambry Variant Classification Scheme 2023. Collection method: clinical testing. Allele origin: germline.
Comment: The p.I536V variant (also known as c.1606A>G), located in coding exon 16 of the KIF1B gene, results from an A to G substitution at nucleotide position 1606. The isoleucine at codon 536 is replaced by valine, an amino acid with highly similar properties. This amino acid position is conserved. In addition, this alteration is predicted to be tolerated by in silico analysis. Since supporting evidence is limited at this time, the clinical significance of this alteration remains unclear.